The following is an entry in ClinVar:

ClinVar aggregate classification (germline): Pathogenic (1 of 4 stars; one submission).

Conditions:
Neurodevelopmental disorder with hypotonia, stereotypic hand movements, and impaired language. Also called: Intellectual disability, autosomal dominant 20. Identifiers: Orphanet 228384, Orphanet 664410, MedGen C3150700, MONDO:0013266, OMIM 613443.

Submission:

Labcorp Genetics (formerly Invitae), Labcorp
Classification: Pathogenic for Neurodevelopmental disorder with hypotonia, stereotypic hand movements, and impaired language. Last evaluated: 2022-02-02. Review status: criteria provided, single submitter. Criteria: Invitae Variant Classification Sherloc (09022015). Collection method: clinical testing. Allele origin: germline.
Comment: This sequence change creates a premature translational stop signal (p.Pro294Glnfs*5) in the MEF2C gene. It is expected to result in an absent or disrupted protein product. Loss-of-function variants in MEF2C are known to be pathogenic (PMID: 20513142). This variant is not present in population databases (gnomAD no frequency). This variant has not been reported in the literature in individuals affected with MEF2C-related conditions. For these reasons, this variant has been classified as Pathogenic.

Literature cited by the submitters: PubMed 20513142.

NM_002397.5(MEF2C):c.881del (p.Pro294fs)

Gene: MEF2C (myocyte enhancer factor 2C; minus strand). Cytogenetic location: 5q14.3.
Variant type: Deletion.
Coding change: c.881del on transcript NM_002397.5 (MANE Select); coding-DNA position 881, one base deleted (C; older notation c.881delC).
Protein change: p.Pro294fs; shifts the reading frame from proline 294.
Molecular consequence: frameshift variant.
Genome position (GRCh38, 1-based): chr5:88,729,301, G deleted on the plus strand (C on the coding strand, the reverse complement: MEF2C is on the minus strand); the first of 4 consecutive G bases (chr5:88,729,301-88,729,304); deleting any one gives the same sequence. VCF-style (leftmost placement, unchanged base first): chr5-88729300-TG-T. GRCh37 (hg19) VCF-style: chr5-88025117-TG-T.
Other names: c.851del, p.Pro284fs (NM_001131005.2, NM_001364343.2, NM_001364352.2); c.911del, p.Pro304fs (NM_001193347.1, NM_001364338.2); c.713del, p.Pro238fs (NM_001193348.1); c.737del, p.Pro246fs (NM_001193349.3, NM_001364332.2, NM_001364344.2 and 2 more transcripts); c.881del, p.Pro294fs (NM_001193350.2, NM_001363581.2, NM_001364329.2 and 9 more transcripts); c.857del, p.Pro286fs (NM_001308002.3, NM_001364333.2, NM_001364339.2 and 6 more transcripts); c.503del, p.Pro168fs (NM_001364353.2, NM_001364356.2); c.431del, p.Pro144fs (NM_001364357.2); short protein forms P246fs, P144fs, P168fs, P304fs, P294fs, P238fs, P284fs, P286fs.
Identifiers: ClinVar variation 2091785 (VCV002091785.4), dbSNP rs2546973912, ClinGen allele CA2580073707.